The following is an entry in ClinVar:

NM_005431.2(XRCC2):c.467G>T (p.Trp156Leu)

Gene: XRCC2 (X-ray repair cross complementing 2; minus strand). Cytogenetic location: 7q36.1.
Variant type: single nucleotide variant.
Coding change: c.467G>T on transcript NM_005431.2 (MANE Select); coding-DNA position 467, G replaced by T.
Protein change: p.Trp156Leu; replaces tryptophan 156 with leucine.
Molecular consequence: missense variant.
Genome position (GRCh38, 1-based): chr7:152,649,018, C>A on the plus strand (G>T on the coding strand, the complement: XRCC2 is on the minus strand). VCF-style: chr7-152649018-C-A. GRCh37 (hg19) VCF-style: chr7-152346103-C-A.
Other names: short protein forms W156L.
Identifiers: ClinVar variation 2447660 (VCV002447660.2), dbSNP rs2485881260, ClinGen allele CA370198630.

ClinVar aggregate classification (germline): Uncertain significance (1 of 4 stars; one submission).

Conditions:
Hereditary cancer-predisposing syndrome. Also called: Neoplastic Syndromes, Hereditary; Hereditary Cancer Syndrome; Tumor predisposition; Hereditary neoplastic syndrome. Identifiers: Orphanet 140162, MedGen C0027672, MeSH D009386, MONDO:0015356.

Submission:

Ambry Genetics
Classification: Uncertain significance for Hereditary cancer-predisposing syndrome. Last evaluated: 2023-02-23. Review status: criteria provided, single submitter. Criteria: Ambry Variant Classification Scheme 2023. Collection method: clinical testing. Allele origin: germline.
Comment: The p.W156L variant (also known as c.467G>T), located in coding exon 3 of the XRCC2 gene, results from a G to T substitution at nucleotide position 467. The tryptophan at codon 156 is replaced by leucine, an amino acid with similar properties. This amino acid position is conserved. In addition, this alteration is predicted to be deleterious by in silico analysis. Since supporting evidence is limited at this time, the clinical significance of this alteration remains unclear.